The following is an entry in ClinVar:

NM_000426.4(LAMA2):c.8492G>A (p.Ser2831Asn)

Gene: LAMA2 (laminin subunit alpha 2; plus strand). Cytogenetic location: 6q22.33.
Variant type: single nucleotide variant.
Coding change: c.8492G>A on transcript NM_000426.4 (MANE Select); coding-DNA position 8492, G replaced by A.
Protein change: p.Ser2831Asn; replaces serine 2831 with asparagine.
Molecular consequence: missense variant.
Genome position (GRCh38, 1-based): chr6:129,503,225, G>A. VCF-style: chr6-129503225-G-A. GRCh37 (hg19) VCF-style: chr6-129824370-G-A.
Other names: c.8480G>A, p.Ser2827Asn (NM_001079823.2); c.8492G>A (NM_000426.3); short protein forms S2827N, S2831N.
Identifiers: ClinVar variation 1059698 (VCV001059698.6), dbSNP rs765680063, ClinGen allele CA146923878.

ClinVar aggregate classification (germline): Uncertain significance. Review status: criteria provided, multiple submitters, no conflicts (2 of 4 stars). 3 submissions from 3 submitters: Uncertain significance (3). Last evaluated 2025-03-27.

Conditions:
LAMA2-related muscular dystrophy (LAMA2-RD). Also called: Laminin alpha 2-related dystrophy. Identifiers: MedGen C5679788, MONDO:0100228.

Allele frequency attached by ClinVar (database versions not stated): gnomAD 0.00003.
gnomAD v4.1: 94 of 1,614,002 alleles (0.0058%); highest among the groups gnomAD compares: Non-Finnish European, 0.0076%; no homozygotes.

Submissions (3):

GeneDx
Classification: Uncertain significance. Last evaluated: 2025-03-27. Review status: criteria provided, single submitter. Criteria: GeneDx Variant Classification Process June 2021. Collection method: clinical testing. Allele origin: germline. Affected: yes.
Comment: Not observed at significant frequency in large population cohorts (gnomAD); In silico analysis indicates that this missense variant does not alter protein structure/function; Has not been previously published as pathogenic or benign to our knowledge

Revvity Omics, Revvity
Classification: Uncertain significance. Last evaluated: 2021-09-13. Review status: criteria provided, single submitter. Criteria: ACMG Guidelines, 2015. Collection method: clinical testing. Allele origin: germline.

Labcorp Genetics (formerly Invitae), Labcorp
Classification: Uncertain significance for LAMA2-related muscular dystrophy. Last evaluated: 2021-09-01. Review status: criteria provided, single submitter. Criteria: Invitae Variant Classification Sherloc (09022015). Collection method: clinical testing. Allele origin: germline.
Comment: This sequence change replaces serine with asparagine at codon 2831 of the LAMA2 protein (p.Ser2831Asn). The serine residue is moderately conserved and there is a small physicochemical difference between serine and asparagine. This variant is not present in population databases (ExAC no frequency). This variant has not been reported in the literature in individuals affected with LAMA2-related conditions. Algorithms developed to predict the effect of missense changes on protein structure and function (SIFT, PolyPhen-2, Align-GVGD) all suggest that this variant is likely to be tolerated. In summary, the available evidence is currently insufficient to determine the role of this variant in disease. Therefore, it has been classified as a Variant of Uncertain Significance.